The following is an entry in ClinVar:

NM_004341.5(CAD):c.3310G>T (p.Asp1104Tyr)

Gene: CAD (carbamoyl-phosphate synthetase 2, aspartate transcarbamylase, and dihydroorotase; plus strand). Cytogenetic location: 2p23.3.
Variant type: single nucleotide variant.
Coding change: c.3310G>T on transcript NM_004341.5 (MANE Select); coding-DNA position 3310, G replaced by T.
Protein change: p.Asp1104Tyr; replaces aspartic acid 1104 with tyrosine.
Molecular consequence: missense variant.
Genome position (GRCh38, 1-based): chr2:27,233,719, G>T. VCF-style: chr2-27233719-G-T. GRCh37 (hg19) VCF-style: chr2-27456587-G-T.
Other names: c.3121G>T, p.Asp1041Tyr (NM_001306079.2); short protein forms D1041Y, D1104Y.
Identifiers: ClinVar variation 1448975 (VCV001448975.8), dbSNP rs2148078808, ClinGen allele CA346215262.

ClinVar aggregate classification (germline): Uncertain significance (1 of 4 stars; one submission).

Submission:

Labcorp Genetics (formerly Invitae), Labcorp
Classification: Uncertain significance. Last evaluated: 2022-08-23. Review status: criteria provided, single submitter. Criteria: Invitae Variant Classification Sherloc (09022015). Collection method: clinical testing. Allele origin: germline.
Comment: This sequence change replaces aspartic acid, which is acidic and polar, with tyrosine, which is neutral and polar, at codon 1104 of the CAD protein (p.Asp1104Tyr). In summary, the available evidence is currently insufficient to determine the role of this variant in disease. Therefore, it has been classified as a Variant of Uncertain Significance. Algorithms developed to predict the effect of sequence changes on RNA splicing suggest that this variant may create or strengthen a splice site. Algorithms developed to predict the effect of missense changes on protein structure and function are either unavailable or do not agree on the potential impact of this missense change (SIFT: "Deleterious"; PolyPhen-2: "Possibly Damaging"; Align-GVGD: "Class C0"). ClinVar contains an entry for this variant (Variation ID: 1448975). This variant has not been reported in the literature in individuals affected with CAD-related conditions. This variant is not present in population databases (gnomAD no frequency).